The following is an entry in ClinVar:

NM_012338.4(TSPAN12):c.542G>A (p.Cys181Tyr)

Gene: TSPAN12 (tetraspanin 12; minus strand). Cytogenetic location: 7q31.31.
Variant type: single nucleotide variant.
Coding change: c.542G>A on transcript NM_012338.4 (MANE Select); coding-DNA position 542, G replaced by A.
Protein change: p.Cys181Tyr; replaces cysteine 181 with tyrosine.
Molecular consequence: missense variant.
Genome position (GRCh38, 1-based): chr7:120,806,619, C>T on the plus strand (G>A on the coding strand, the complement: TSPAN12 is on the minus strand). VCF-style: chr7-120806619-C-T. GRCh37 (hg19) VCF-style: chr7-120446673-C-T.
Other names: short protein forms C181Y.
Identifiers: ClinVar variation 3659308 (VCV003659308.2).
Genomic context (GRCh38, chr7:120,806,619, plus strand): 5'-AGGTCACTGAGATCTTCCTGGTGGGCCTGTTTGGAACATCCTGGGAATTCTCTAACACAG[C>T]AGGAATCTGGGGGCCAGTCCATCTCTGTCATTTCCAACCAGTCAGTGAAATATACTACTC-3'
Protein context (NP_036470.1, residues 171-191): MTEMDWPPDS[Cys181Tyr]CVREFPGCSK

ClinVar aggregate classification (germline): Uncertain significance (1 of 4 stars; one submission).

Submission:

Labcorp Genetics (formerly Invitae), Labcorp
Classification: Uncertain significance. Last evaluated: 2024-07-12. Review status: criteria provided, single submitter. Criteria: Invitae Variant Classification Sherloc (09022015). Collection method: clinical testing. Allele origin: germline.
Comment: This sequence change replaces cysteine, which is neutral and slightly polar, with tyrosine, which is neutral and polar, at codon 181 of the TSPAN12 protein (p.Cys181Tyr). This variant is not present in population databases (gnomAD no frequency). This variant has not been reported in the literature in individuals affected with TSPAN12-related conditions. Advanced modeling of protein sequence and biophysical properties (such as structural, functional, and spatial information, amino acid conservation, physicochemical variation, residue mobility, and thermodynamic stability) performed at Invitae indicates that this missense variant is expected to disrupt TSPAN12 protein function with a positive predictive value of 80%. This variant disrupts the p.Cys181 amino acid residue in TSPAN12. Other variant(s) that disrupt this residue have been determined to be pathogenic (PMID: 25250762, 26306921, 30452590, 31456290). This suggests that this residue is clinically significant, and that variants that disrupt this residue are likely to be disease-causing. In summary, the available evidence is currently insufficient to determine the role of this variant in disease. Therefore, it has been classified as a Variant of Uncertain Significance.

Literature cited by the submitters: PubMed 25250762; PubMed 26306921; PubMed 30452590; PubMed 31456290.